The following is an entry in ClinVar:

NM_005956.4(MTHFD1):c.2529del (p.Glu844fs)

Genes: MTHFD1 (methylenetetrahydrofolate dehydrogenase, cyclohydrolase and formyltetrahydrofolate synthetase 1; plus strand), ZBTB25 (zinc finger and BTB domain containing 25; minus strand). Cytogenetic location: 14q23.3.
Variant type: Deletion.
Coding change: c.2529del on transcript NM_005956.4 (MANE Select); coding-DNA position 2529, one base deleted (C; older notation c.2529delC).
Protein change: p.Glu844fs; shifts the reading frame from glutamic acid 844.
Molecular consequence: frameshift variant. On other transcripts: intron variant (1).
Genome position (GRCh38, 1-based): chr14:64,453,825, C deleted; the last of 3 consecutive C bases (chr14:64,453,823-64,453,825); deleting any one gives the same sequence. VCF-style (leftmost placement, unchanged base first): chr14-64453822-TC-T. GRCh37 (hg19) VCF-style: chr14-64920540-TC-T.
Other names: c.2529del, p.Glu844fs (NM_001364837.1); c.174-4185del (NM_001304508.1); short protein forms E844fs.
Identifiers: ClinVar variation 1696279 (VCV001696279.1), dbSNP rs2140987866, ClinGen allele CA2580088347.

ClinVar aggregate classification (germline): Likely pathogenic (1 of 4 stars; one submission).

Conditions:
Severe combined immunodeficiency disease. Also called: Severe combined immunodeficiency; Severe Combined Immune Deficiency. Identifiers: Orphanet 183660, MedGen C0085110, MeSH D016511, MONDO:0015974, HP:0004430. Inheritance: X-Linked or Autosomal recessive.

Submission:

Women's Health and Genetics/Laboratory Corporation of America, LabCorp
Classification: Likely pathogenic for Severe combined immunodeficiency disease. Last evaluated: 2022-05-20. Review status: criteria provided, single submitter. Criteria: LabCorp Variant Classification Summary - May 2015. Collection method: clinical testing. Allele origin: germline.
Comment: Variant summary: MTHFD1 c.2529delC (p.Glu844LysfsX60) results in a premature termination codon, predicted to cause a truncation of the encoded protein or absence of the protein due to nonsense mediated decay, which are commonly known mechanisms for disease. The variant was absent in 251174 control chromosomes. To our knowledge, no occurrence of c.2529delC in individuals affected with Severe Combined Immunodeficiency and no experimental evidence demonstrating its impact on protein function have been reported. No clinical diagnostic laboratories have submitted clinical-significance assessments for this variant to ClinVar after 2014. Based on the evidence outlined above, the variant was classified as likely pathogenic.